The following is an entry in ClinVar:

ClinVar aggregate classification (germline): Pathogenic (1 of 4 stars; one submission).

Conditions:
Kabuki syndrome. Also called: NIIKAWA-KUROKI SYNDROME; Kabuki make-up syndrome. Identifiers: Orphanet 2322, MedGen C0796004, MONDO:0016512.

Submission:

Labcorp Genetics (formerly Invitae), Labcorp
Classification: Pathogenic for Kabuki syndrome. Last evaluated: 2018-09-05. Review status: criteria provided, single submitter. Criteria: Invitae Variant Classification Sherloc (09022015). Collection method: clinical testing. Allele origin: germline.
Comment: This sequence change creates a premature translational stop signal (p.Thr5018Hisfs*6) in the KMT2D gene. It is expected to result in an absent or disrupted protein product. This variant is not present in population databases (ExAC no frequency). This variant has not been reported in the literature in individuals with KMT2D-related disease. Loss-of-function variants in KMT2D are known to be pathogenic (PMID: 22126750). For these reasons, this variant has been classified as Pathogenic.

Literature cited by the submitters: PubMed 22126750.

NM_003482.4(KMT2D):c.15050dup (p.Thr5018fs)

Gene: KMT2D (lysine methyltransferase 2D; minus strand). Cytogenetic location: 12q13.12.
Variant type: Duplication.
Coding change: c.15050dup on transcript NM_003482.4 (MANE Select); coding-DNA position 15050, one base duplicated (G; older notation c.15050dupG).
Protein change: p.Thr5018fs; shifts the reading frame from threonine 5018.
Molecular consequence: frameshift variant.
Genome position (GRCh38, 1-based): chr12:49,026,916, C duplicated on the plus strand (G on the coding strand, the reverse complement: KMT2D is on the minus strand); the first of 2 consecutive C bases (chr12:49,026,916-49,026,917); duplicating either gives the same sequence. VCF-style (leftmost placement, unchanged base first): chr12-49026915-G-GC. GRCh37 (hg19) VCF-style: chr12-49420698-G-GC.
Other names: c.15050dupG (NM_003482.3); short protein forms T5018fs.
Identifiers: ClinVar variation 661403 (VCV000661403.6), dbSNP rs1592106062, ClinGen allele CA915948268.